The following is an entry in ClinVar:

ClinVar aggregate classification (germline): Benign (1 of 4 stars; one submission).

Allele frequency attached by ClinVar (database versions not stated): gnomAD 0.04851; 1000 Genomes Project 0.05731; 1000 Genomes Project 30x 0.05949; TOPMed 0.06108.
gnomAD v4.1: 46,175 of 860,386 alleles (5.4%); highest among the groups gnomAD compares: Middle Eastern, 8.5%; 1,391 homozygotes.

Submission:

GeneDx
Classification: Benign. Last evaluated: 2018-06-14. Review status: criteria provided, single submitter. Criteria: GeneDx Variant Classification (06012015). Collection method: clinical testing. Allele origin: germline. Affected: yes.
Comment: This variant is considered likely benign or benign based on one or more of the following criteria: it is a conservative change, it occurs at a poorly conserved position in the protein, it is predicted to be benign by multiple in silico algorithms, and/or has population frequency not consistent with disease.

NM_001851.6(COL9A1):c.88+108C>T

Gene: COL9A1 (collagen type IX alpha 1 chain; minus strand). Cytogenetic location: 6q13.
Variant type: single nucleotide variant.
Coding change: c.88+108C>T on transcript NM_001851.6 (MANE Select); 108 bases into the intron after coding-DNA position 88, C replaced by T.
Molecular consequence: intron variant.
Genome position (GRCh38, 1-based): chr6:70,301,893, G>A on the plus strand (C>T on the coding strand, the complement: COL9A1 is on the minus strand). VCF-style: chr6-70301893-G-A. GRCh37 (hg19) VCF-style: chr6-71011596-G-A.
Other names: c.88+108C>T (NM_001377291.1).
Identifiers: ClinVar variation 678035 (VCV000678035.1), dbSNP rs9294863, ClinGen allele CA140830305.